The following is an entry in ClinVar:

ClinVar aggregate classification (germline): Benign/Likely benign. Review status: criteria provided, multiple submitters, no conflicts (2 of 4 stars). 3 submissions from 3 submitters: Benign (1); Likely benign (1). 1 of the submissions does not count toward it. Last evaluated 2025-10-27.

Conditions:
Epidermolysis bullosa simplex 3, localized or generalized intermediate, with BP230 deficiency (EBS3). Also called: Epidermolysis bullosa simplex, autosomal recessive 2; Epidermolysis bullosa simplex due to BP230 deficiency. Identifiers: Orphanet 412181, MedGen C3809470, MONDO:0014180, OMIM 615425.
Hereditary sensory and autonomic neuropathy type 6. Also called: Neuropathy, hereditary sensory and autonomic, type VI; HSAN VI. Identifiers: Orphanet 314381, MedGen C3539003, MONDO:0013839, OMIM 614653.
DST-related disorder. Also called: DST-related disorders; DST-related condition.

Allele frequency attached by ClinVar (database versions not stated): gnomAD exomes 0.00013 and 0.00036; ExAC 0.00044; gnomAD 0.00133 and 0.00139; 1000 Genomes Project 30x 0.00141; TOPMed 0.00150; ESP Exome Variant Server 0.00160; 1000 Genomes Project 0.00180.
gnomAD v4.1: 396 of 1,613,502 alleles (0.025%); highest among the groups gnomAD compares: African/African-American, 0.48%; no homozygotes.

Submissions (3):

Labcorp Genetics (formerly Invitae), Labcorp
Classification: Benign for Epidermolysis bullosa simplex 3, localized or generalized intermediate, with BP230 deficiency; Hereditary sensory and autonomic neuropathy type 6. Last evaluated: 2025-10-27. Review status: criteria provided, single submitter. Criteria: Invitae Variant Classification Sherloc (09022015). Collection method: clinical testing. Allele origin: germline.

Blueprint Genetics
Classification: Likely benign. Last evaluated: 2024-08-21. Review status: criteria provided, single submitter. Criteria: ACMG Guidelines, 2015. Collection method: clinical testing. Allele origin: germline.

PreventionGenetics, part of Exact Sciences
Classification: Likely benign for DST-related condition. Last evaluated: 2019-07-16. Review status: no assertion criteria provided. Collection method: clinical testing. Allele origin: germline. Not counted in ClinVar's aggregate classification.
Comment: This variant is classified as likely benign based on ACMG/AMP sequence variant interpretation guidelines (Richards et al. 2015 PMID: 25741868, with internal and published modifications).

NM_001374736.1(DST):c.15174C>T (p.Ser5058=)

Gene: DST (dystonin; minus strand). Cytogenetic location: 6p12.1.
Variant type: single nucleotide variant.
Coding change: c.15174C>T on transcript NM_001374736.1 (MANE Select); coding-DNA position 15174, C replaced by T.
Protein change: p.Ser5058=; no amino-acid change (serine 5058 retained).
Molecular consequence: synonymous variant.
Genome position (GRCh38, 1-based): chr6:56,553,618, G>A on the plus strand (C>T on the coding strand, the complement: DST is on the minus strand). VCF-style: chr6-56553618-G-A. GRCh37 (hg19) VCF-style: chr6-56418416-G-A.
Other names: c.8817C>T (NM_001144769.2); c.8817C>T, p.Ser2939= (NM_001144769.5); c.8403C>T, p.Ser2801= (NM_001144770.2); c.15174C>T, p.Ser5058= (NM_001374722.1); c.14541C>T, p.Ser4847= (NM_001374729.1); c.8283C>T, p.Ser2761= (NM_001374730.1, NM_001386100.1, NM_183380.4); c.15201C>T, p.Ser5067= (NM_001374734.1); c.7305C>T, p.Ser2435= (NM_015548.5).
Identifiers: ClinVar variation 1167592 (VCV001167592.12), dbSNP rs148071136, ClinGen allele CA3867855.